The following is an entry in ClinVar:

NM_005359.6(SMAD4):c.1004_1006dup (p.Val335_Gly336insVal)

Gene: SMAD4 (SMAD family member 4; plus strand). Cytogenetic location: 18q21.2.
Variant type: Duplication.
Coding change: c.1004_1006dup on transcript NM_005359.6 (MANE Select); coding-DNA positions 1004 to 1006, 3 bases duplicated (TAG; older notation c.1004_1006dupTAG).
Protein change: p.Val335_Gly336insVal.
Molecular consequence: non-coding transcript variant (on NR_176264.1).
Genome position (GRCh38, 1-based): chr18:51,065,471-51,065,473, TAG duplicated; duplicating any 3 consecutive bases within chr18:51,065,470-51,065,473 gives the same sequence; the c. name uses the placement nearest the transcript's 3' end. VCF-style (leftmost placement, unchanged base first): chr18-51065469-G-GGTA. GRCh37 (hg19) VCF-style: chr18-48591839-G-GGTA.
Other names: c.1004_1006dup, p.Val335_Gly336insVal (NM_001407041.1, NM_001407042.1, NM_001407043.1).
Identifiers: ClinVar variation 3651612 (VCV003651612.2).

ClinVar aggregate classification (germline): Uncertain significance (1 of 4 stars; one submission).

Conditions:
Juvenile polyposis syndrome (JPS). Identifiers: Orphanet 2929, MedGen C0345893, MONDO:0017380, OMIM 174900.

Submission:

Labcorp Genetics (formerly Invitae), Labcorp
Classification: Uncertain significance for Juvenile polyposis syndrome. Last evaluated: 2024-04-30. Review status: criteria provided, single submitter. Criteria: Invitae Variant Classification Sherloc (09022015). Collection method: clinical testing. Allele origin: germline.
Comment: This variant, c.1004_1006dup, results in the insertion of 1 amino acid(s) of the SMAD4 protein (p.Val335dup), but otherwise preserves the integrity of the reading frame. This variant is not present in population databases (gnomAD no frequency). This variant has not been reported in the literature in individuals affected with SMAD4-related conditions. In summary, the available evidence is currently insufficient to determine the role of this variant in disease. Therefore, it has been classified as a Variant of Uncertain Significance.